The following is an entry in ClinVar:

ClinVar aggregate classification (germline): Pathogenic/Likely pathogenic. Review status: criteria provided, multiple submitters, no conflicts (2 of 4 stars). 2 submissions from 2 submitters: Pathogenic (1); Likely pathogenic (1). Last evaluated 2026-01-14.

Conditions:
Microcephaly 18, primary, autosomal dominant (MCPH18). Identifiers: MedGen C4479608, MONDO:0054593, OMIM 617520.

Submissions (2):

GeneDx
Classification: Pathogenic. Last evaluated: 2026-01-14. Review status: criteria provided, single submitter. Criteria: GeneDx Variant Classification Process June 2021. Collection method: clinical testing. Allele origin: germline.
Comment: Reported as maternally inherited in a patient in published literature from a cohort of individuals with autism spectrum disorder; however, detailed clinical information was not provided (PMID: 38958063); Nonsense variant predicted to result in protein truncation or nonsense mediated decay in a gene for which loss of function is a known mechanism of disease; Not observed at significant frequency in large population cohorts (gnomAD); This variant is associated with the following publications: (PMID: 38958063)

Juno Genomics, Hangzhou Juno Genomics, Inc
Classification: Likely pathogenic for Microcephaly 18, primary, autosomal dominant. Review status: criteria provided, single submitter. Criteria: ACMG Guidelines, 2015. Collection method: clinical testing. Allele origin: germline. Affected: yes.
Comment: Absent from controls (or at extremely low frequency if recessive) in Genome Aggregation Database, Exome Sequencing Project, 1000 Genomes Project, or Exome Aggregation Consortium.;Null variant in a gene where loss of function (LOF) is a known mechanism of disease.

NM_014991.6(WDFY3):c.8017C>T (p.Arg2673Ter)

Gene: WDFY3 (WD repeat and FYVE domain containing 3; minus strand). Cytogenetic location: 4q21.23.
Variant type: single nucleotide variant.
Coding change: c.8017C>T on transcript NM_014991.6 (MANE Select); coding-DNA position 8017, C replaced by T.
Protein change: p.Arg2673Ter; replaces arginine 2673 with a stop codon.
Molecular consequence: nonsense.
Genome position (GRCh38, 1-based): chr4:84,713,184, G>A on the plus strand (C>T on the coding strand, the complement: WDFY3 is on the minus strand). VCF-style: chr4-84713184-G-A. GRCh37 (hg19) VCF-style: chr4-85634337-G-A.
Other names: short protein forms R2673*.
Identifiers: ClinVar variation 1803494 (VCV001803494.3), dbSNP rs1733238245, ClinGen allele CA357540964.